The following is an entry in ClinVar:

NM_016628.5(WAC):c.-3T>C

Genes: WAC (WW domain containing adaptor with coiled-coil; plus strand), LOC130003574 (ATAC-STARR-seq lymphoblastoid silent region 2253; plus strand). Cytogenetic location: 10p12.1.
Variant type: single nucleotide variant.
Coding change: c.-3T>C on transcript NM_016628.5 (MANE Select); 3 bases upstream of the start codon, T replaced by C.
Molecular consequence: 5 prime UTR variant. On other transcripts: intron variant (1).
Genome position (GRCh38, 1-based): chr10:28,533,577, T>C. VCF-style: chr10-28533577-T-C. GRCh37 (hg19) VCF-style: chr10-28822506-T-C.
Other names: c.-3T>C (NM_100486.4); c.-94-421T>C (NM_100264.3).
Identifiers: ClinVar variation 1305551 (VCV001305551.5), dbSNP rs2132290252, ClinGen allele CA2573050506.

ClinVar aggregate classification (germline): Uncertain significance (1 of 4 stars; one submission).

Conditions:
DeSanto-Shinawi syndrome due to WAC point mutation (DESSH). Also called: DEVELOPMENTAL DELAY, BEHAVIORAL ABNORMALITIES, FACIAL DYSMORPHISM, AND OCULAR ABNORMALITIES; Facial dysmorphism-developmental delay-behavioral abnormalities syndrome due to WAC point mutation; WAC-Related Intellectual Disability. Identifiers: Orphanet 284169, Orphanet 466950, MedGen C5681129, MONDO:0014741, OMIM 616708.
DeSanto-Shinawi syndrome. Also called: WAC-related facial dysmorphism-developmental delay-behavioral abnormalities syndrome. Identifiers: Orphanet 466943, MedGen C4225239, MONDO:0018760.

Submission:

GeneDx
Classification: Uncertain significance. Last evaluated: 2019-05-20. Review status: criteria provided, single submitter. Criteria: GeneDx Variant Classification Process June 2021. Collection method: clinical testing. Allele origin: germline. Affected: yes.
Comment: Occurs in the 5'UTR; no new ATG is created, and the Kozak sequence is not altered. In the absence of RNA/functional studies, the actual effect of this sequence change is unknown.; Located in a region that tolerates variation and lacks pathogenic variants; Not observed in large population cohorts (Lek et al., 2016); Has not been previously published as pathogenic or benign to our knowledge